The following is an entry in ClinVar:

ClinVar aggregate classification (germline): Uncertain significance (1 of 4 stars; one submission).

Conditions:
Norman-Roberts syndrome (LIS2). Also called: Lissencephaly 2 (Norman-Roberts type). Identifiers: Orphanet 89844, MedGen C0796089, MONDO:0009760, OMIM 257320.
Familial temporal lobe epilepsy 7. Identifiers: Orphanet 101046, MedGen C4225327, MONDO:0014639, OMIM 616436.

Allele frequency attached by ClinVar (database versions not stated): TOPMed below 0.00001.

Submission:

Labcorp Genetics (formerly Invitae), Labcorp
Classification: Uncertain significance for Familial temporal lobe epilepsy 7; Norman-Roberts syndrome. Last evaluated: 2023-04-08. Review status: criteria provided, single submitter. Criteria: Invitae Variant Classification Sherloc (09022015). Collection method: clinical testing. Allele origin: germline.
Comment: In summary, the available evidence is currently insufficient to determine the role of this variant in disease. Therefore, it has been classified as a Variant of Uncertain Significance. Advanced modeling of protein sequence and biophysical properties (such as structural, functional, and spatial information, amino acid conservation, physicochemical variation, residue mobility, and thermodynamic stability) performed at Invitae indicates that this missense variant is not expected to disrupt RELN protein function. This variant has not been reported in the literature in individuals affected with RELN-related conditions. This variant is not present in population databases (gnomAD no frequency). This sequence change replaces valine, which is neutral and non-polar, with alanine, which is neutral and non-polar, at codon 2370 of the RELN protein (p.Val2370Ala).

NM_005045.4(RELN):c.7109T>C (p.Val2370Ala)

Gene: RELN (reelin; minus strand). Cytogenetic location: 7q22.1.
Variant type: single nucleotide variant.
Coding change: c.7109T>C on transcript NM_005045.4 (MANE Select); coding-DNA position 7109, T replaced by C.
Protein change: p.Val2370Ala; replaces valine 2370 with alanine.
Molecular consequence: missense variant.
Genome position (GRCh38, 1-based): chr7:103,539,149, A>G on the plus strand (T>C on the coding strand, the complement: RELN is on the minus strand). VCF-style: chr7-103539149-A-G. GRCh37 (hg19) VCF-style: chr7-103179596-A-G.
Other names: c.7109T>C, p.Val2370Ala (NM_173054.3); short protein forms V2370A.
Identifiers: ClinVar variation 2945470 (VCV002945470.3), dbSNP rs1830120934, ClinGen allele CA368769127.